The following is an entry in ClinVar:

NM_000444.6(PHEX):c.1202del (p.Pro401fs)

Gene: PHEX (phosphate regulating endopeptidase X-linked; plus strand). Cytogenetic location: Xp22.11.
Variant type: Deletion.
Coding change: c.1202del on transcript NM_000444.6 (MANE Select); coding-DNA position 1202, one base deleted (C; older notation c.1202delC).
Protein change: p.Pro401fs; shifts the reading frame from proline 401.
Molecular consequence: frameshift variant.
Genome position (GRCh38, 1-based): chrX:22,114,486, C deleted; the last of 2 consecutive C bases (chrX:22,114,485-22,114,486); deleting either gives the same sequence. VCF-style (leftmost placement, unchanged base first): chrX-22114484-GC-G. GRCh37 (hg19) VCF-style: chrX-22132602-GC-G.
Other names: c.1202del, p.Pro401fs (NM_001282754.2); short protein forms P401fs.
Identifiers: ClinVar variation 419401 (VCV000419401.8), dbSNP rs1064793847, ClinGen allele CA16621322.

ClinVar aggregate classification (germline): Pathogenic. Review status: criteria provided, multiple submitters, no conflicts (2 of 4 stars). 2 submissions from 2 submitters: Pathogenic (2). Last evaluated 2022-02-07.

Conditions:
Hypophosphatemic rickets. Identifiers: MedGen C1704375, MeSH D063730, MONDO:0024300, HP:0004912.

Submissions (2):

Laboratory of Cyto-molecular Genetics, Department of Anatomy, All India Institute of Medical Sciences (AIIMS), New Delhi
Classification: Pathogenic for Hypophosphatemic rickets. Last evaluated: 2022-02-07. Review status: criteria provided, single submitter. Criteria: ACMG Guidelines, 2015. Collection method: clinical testing. Allele origin: germline. Affected: yes. Observed: 2 variant alleles.
Comment: p.(Pro401Leufs*7); frameshift and premature termination codon (PTC) formation

GeneDx
Classification: Pathogenic. Last evaluated: 2015-07-23. Review status: criteria provided, single submitter. Criteria: GeneDx Variant Classification (06012015). Collection method: clinical testing. Allele origin: germline. Affected: yes.
Comment: The c.1202delC deletion in the PHEX gene causes a frameshift starting with codon Proline401, changes this amino acid to a Leucine residue and creates a premature Stop codon atposition 7 of the new reading frame, denoted p.Pro401LeufsX7. This deletion is predictedto cause loss of normal protein function either through protein truncation or nonsense-mediated mRNA decay. Although this variant has not been previously reported to our knowledge, we consider it to be pathogenic.

Literature cited by the submitters: PubMed 35738466 (cited by Laboratory of Cyto-molecular Genetics, Department of Anatomy, All India Institute of Medical Sciences (AIIMS), New Delhi).